The following is an entry in ClinVar:

ClinVar aggregate classification (germline): Conflicting classifications of pathogenicity. Review status: criteria provided, conflicting classifications (1 of 4 stars). 5 submissions from 5 submitters: Uncertain significance (3); Likely benign (1). 1 of the submissions does not count toward it. Last evaluated 2025-10-20.

Conditions:
Hereditary cancer-predisposing syndrome. Also called: Hereditary Cancer Syndrome; Neoplastic Syndromes, Hereditary; Hereditary neoplastic syndrome; Tumor predisposition. Identifiers: Orphanet 140162, MedGen C0027672, MeSH D009386, MONDO:0015356.
Hereditary breast ovarian cancer syndrome. Also called: Breast and ovarian cancer; Hereditary breast and/or ovarian cancer syndrome; Hereditary breast and ovarian cancer; Hereditary breast and ovarian cancer syndrome; Hereditary breast and ovarian cancer syndrome (HBOC); BRCA1- and BRCA2-Associated Hereditary Breast and Ovarian Cancer. Identifiers: Orphanet 145, MedGen C0677776, MeSH D061325, MONDO:0003582. Disease mechanism: loss of function.
Breast-ovarian cancer, familial, susceptibility to, 2 (BROVCA2). Also called: BRCA2 Hereditary Breast and Ovarian Cancer. Identifiers: Orphanet 145, MedGen C2675520, MONDO:0012933, OMIM 612555. Disease mechanism: loss of function.

Submissions (5):

Labcorp Genetics (formerly Invitae), Labcorp
Classification: Uncertain significance for Hereditary breast ovarian cancer syndrome. Last evaluated: 2025-10-20. Review status: criteria provided, single submitter. Criteria: Invitae Variant Classification Sherloc (09022015). Collection method: clinical testing. Allele origin: germline.
Comment: This sequence change replaces isoleucine, which is neutral and non-polar, with valine, which is neutral and non-polar, at codon 729 of the BRCA2 protein (p.Ile729Val). This variant is not present in population databases (gnomAD no frequency). This variant has not been reported in the literature in individuals affected with BRCA2-related conditions. ClinVar contains an entry for this variant (Variation ID: 96779). Invitae Evidence Modeling of protein sequence and biophysical properties (such as structural, functional, and spatial information, amino acid conservation, physicochemical variation, residue mobility, and thermodynamic stability) indicates that this missense variant is not expected to disrupt BRCA2 protein function with a negative predictive value of 95%. In summary, the available evidence is currently insufficient to determine the role of this variant in disease. Therefore, it has been classified as a Variant of Uncertain Significance.

Ambry Genetics
Classification: Uncertain significance for Hereditary cancer-predisposing syndrome. Last evaluated: 2024-07-15. Review status: criteria provided, single submitter. Criteria: Ambry Variant Classification Scheme 2023. Collection method: clinical testing. Allele origin: germline.
Comment: The p.I729V variant (also known as c.2185A>G), located in coding exon 10 of the BRCA2 gene, results from an A to G substitution at nucleotide position 2185. The isoleucine at codon 729 is replaced by valine, an amino acid with highly similar properties. This amino acid position is not well conserved in available vertebrate species. In addition, this alteration is predicted to be tolerated by in silico analysis. Since supporting evidence is limited at this time, the clinical significance of this alteration remains unclear.

University of Washington Department of Laboratory Medicine, University of Washington
Classification: Likely benign for Hereditary cancer-predisposing syndrome. Last evaluated: 2023-03-23. Review status: criteria provided, single submitter. Criteria: Dines et al. (Genet Med. 2020). Collection method: curation. Allele origin: germline.
Comment: Missense variant in a coldspot region where missense variants are very unlikely to be pathogenic (PMID:31911673).

BRCA2 exon 11 coldspot. Reclassification based on statistical prior probability.

Color Diagnostics, LLC DBA Color Health
Classification: Uncertain significance for Hereditary cancer-predisposing syndrome. Last evaluated: 2019-06-02. Review status: criteria provided, single submitter. Criteria: ACMG Guidelines, 2015. Collection method: clinical testing. Allele origin: germline.

Sharing Clinical Reports Project (SCRP)
Classification: Uncertain significance for Breast-ovarian cancer, familial 2. Last evaluated: 2012-05-01. Review status: no assertion criteria provided. Collection method: clinical testing. Allele origin: germline. Not counted in ClinVar's aggregate classification.

NM_000059.4(BRCA2):c.2185A>G (p.Ile729Val)

Gene: BRCA2 (BRCA2 DNA repair associated; plus strand). Cytogenetic location: 13q13.1.
Variant type: single nucleotide variant.
Coding change: c.2185A>G on transcript NM_000059.4 (MANE Select); coding-DNA position 2185, A replaced by G.
Protein change: p.Ile729Val; replaces isoleucine 729 with valine.
Molecular consequence: missense variant.
Genome position (GRCh38, 1-based): chr13:32,336,540, A>G. VCF-style: chr13-32336540-A-G. GRCh37 (hg19) VCF-style: chr13-32910677-A-G.
Other names: short protein forms I729V.
Identifiers: ClinVar variation 96779 (VCV000096779.19), dbSNP rs431825295, ClinGen allele CA014554.